The following is an entry in ClinVar:

NM_001813.3(CENPE):c.1375C>T (p.Arg459Ter)

Gene: CENPE (centromere protein E; minus strand). Cytogenetic location: 4q24.
Variant type: single nucleotide variant.
Coding change: c.1375C>T on transcript NM_001813.3 (MANE Select); coding-DNA position 1375, C replaced by T.
Protein change: p.Arg459Ter; replaces arginine 459 with a stop codon.
Molecular consequence: nonsense.
Genome position (GRCh38, 1-based): chr4:103,176,914, G>A on the plus strand (C>T on the coding strand, the complement: CENPE is on the minus strand). VCF-style: chr4-103176914-G-A. GRCh37 (hg19) VCF-style: chr4-104098071-G-A.
Other names: c.1375C>T, p.Arg459Ter (NM_001286734.2); short protein forms R459*.
Identifiers: ClinVar variation 3365794 (VCV003365794.2).

ClinVar aggregate classification (germline): Uncertain significance (1 of 4 stars; one submission).

Submission:

GeneDx
Classification: Uncertain significance. Last evaluated: 2026-07-09. Review status: criteria provided, single submitter. Criteria: GeneDx Variant Classification Process June 2021. Collection method: clinical testing. Allele origin: germline.
Comment: Not observed at significant frequency in large population cohorts (gnomAD); Nonsense variant predicted to result in protein truncation or nonsense mediated decay in a gene for which loss-of-function is not an established mechanism of disease; Has not been previously published as pathogenic or benign to our knowledge